The following is an entry in ClinVar:

ClinVar aggregate classification (germline): Uncertain significance (1 of 4 stars; one submission).

Conditions:
Androgen resistance syndrome (AIS). Also called: Androgen insensitivity; Androgen insensitivity, complete; Androgen insensitivity syndrome due to coactivator deficiency; ANDROGEN RECEPTOR DEFICIENCY; DIHYDROTESTOSTERONE RECEPTOR DEFICIENCY; TESTICULAR FEMINIZATION SYNDROME. Identifiers: Orphanet 754, Orphanet 99429, MedGen C0039585, MONDO:0019154, OMIM 300068. Disease mechanism: loss of function.

Submission:

3billion
Classification: Uncertain significance for Androgen resistance syndrome. Review status: criteria provided, single submitter. Criteria: ACMG Guidelines, 2015. Collection method: clinical testing. Allele origin: unknown. Affected: yes. Observed: 1 hemizygote.
Comment: The variant is not observed in the gnomAD v2.1.1 dataset. In silico tool predictions suggest damaging effect of the variant on gene or gene product (REVEL: 0.98; 3Cnet: 0.84). A different missense change at the same codon (p.Asp565Asn) has been reported to be associated with AR-related disorder (PMID: 22412043). However the evidence of pathogenicity is insufficient at this time. Therefore, this variant is classified as Uncertain significance according to the recommendation of ACMG/AMP guideline.

Literature cited by the submitters: PubMed 22412043.

NM_000044.6(AR):c.1693G>C (p.Asp565His)

Gene: AR (androgen receptor; plus strand). Cytogenetic location: Xq12.
Variant type: single nucleotide variant.
Coding change: c.1693G>C on transcript NM_000044.6 (MANE Select); coding-DNA position 1693, G replaced by C.
Protein change: p.Asp565His; replaces aspartic acid 565 with histidine.
Molecular consequence: missense variant. On other transcripts: intron variant (1).
Genome position (GRCh38, 1-based): chrX:67,643,332, G>C. VCF-style: chrX-67643332-G-C. GRCh37 (hg19) VCF-style: chrX-66863174-G-C.
Other names: c.97G>C, p.Asp33His (NM_001011645.3); c.1693G>C, p.Asp565His (NM_001348061.1, NM_001348063.1); c.1617-42609G>C (NM_001348064.1); short protein forms D33H, D565H.
Identifiers: ClinVar variation 2572551 (VCV002572551.1), dbSNP rs2147436295, ClinGen allele CA413422765.